The following is an entry in ClinVar:

NM_001267550.2(TTN):c.36489G>A (p.Ala12163=)

Gene: TTN (titin; minus strand). Cytogenetic location: 2q31.2.
Variant type: single nucleotide variant.
Coding change: c.36489G>A on transcript NM_001267550.2 (MANE Select); coding-DNA position 36489, G replaced by A.
Protein change: p.Ala12163=; no amino-acid change (alanine 12163 retained).
Molecular consequence: synonymous variant. On other transcripts: intron variant (5).
Genome position (GRCh38, 1-based): chr2:178,663,670, C>T on the plus strand (G>A on the coding strand, the complement: TTN is on the minus strand). VCF-style: chr2-178663670-C-T. GRCh37 (hg19) VCF-style: chr2-179528397-C-T.
Other names: c.13283-21353G>A (NM_003319.4); c.13859-21353G>A (NM_133437.4); c.13658-21353G>A (NM_133432.3); c.31484-615G>A (NM_133378.4); c.34265-615G>A (NM_001256850.1).
Identifiers: ClinVar variation 238754 (VCV000238754.34), dbSNP rs115493456, ClinGen allele CA1997445.

ClinVar aggregate classification (germline): Benign/Likely benign. Review status: criteria provided, multiple submitters, no conflicts (2 of 4 stars). 15 submissions from 12 submitters: Benign (8); Likely benign (3). 4 of the submissions do not count toward it. Last evaluated 2026-02-03.

Conditions:
Autosomal recessive limb-girdle muscular dystrophy type 2J (LGMDR10). Also called: Limb-girdle muscular dystrophy, type 2J; MUSCULAR DYSTROPHY, LIMB-GIRDLE, AUTOSOMAL RECESSIVE 10. Identifiers: Orphanet 140922, MedGen C1837342, MONDO:0012127, OMIM 608807.
Dilated cardiomyopathy 1G (CMD1G). Identifiers: Orphanet 154, MedGen C1858763, MONDO:0011400, OMIM 604145.
Early-onset myopathy with fatal cardiomyopathy (CMYO5). Also called: Salih Myopathy; CONGENITAL MYOPATHY 5 WITH CARDIOMYOPATHY. Identifiers: Orphanet 289377, MedGen C2673677, MONDO:0012714, OMIM 611705. Disease mechanism: loss of function.
Tibial muscular dystrophy (TMD). Also called: Tibial muscular dystrophy, tardive; Udd Distal Myopathy – Tibial Muscular Dystrophy; UDD MYOPATHY. Identifiers: Orphanet 609, MedGen C1838244, MONDO:0010870, OMIM 600334.
Myopathy, myofibrillar, 9, with early respiratory failure (MFM9). Also called: Hereditary myopathy with early respiratory failure; MYOPATHY, PROXIMAL, WITH EARLY RESPIRATORY MUSCLE INVOLVEMENT; Myopathy, distal, with early respiratory failure, autosomal dominant; EDSTROM MYOPATHY. Identifiers: Orphanet 178464, Orphanet 34521, MedGen C1863599, MONDO:0011362, OMIM 603689.

Allele frequency attached by ClinVar (database versions not stated): ExAC 0.00292; ESP Exome Variant Server 0.00820; gnomAD 0.01063 and 0.01140; TOPMed 0.01229; 1000 Genomes Project 0.01458; 1000 Genomes Project 30x 0.01562.
gnomAD v4.1: 3,244 of 1,613,564 alleles (0.2%); highest among the groups gnomAD compares: African/African-American, 3.8%; 56 homozygotes.

Submissions (15):

Labcorp Genetics (formerly Invitae), Labcorp
Classification: Benign for Dilated cardiomyopathy 1G; Autosomal recessive limb-girdle muscular dystrophy type 2J. Last evaluated: 2026-02-03. Review status: criteria provided, single submitter. Criteria: Invitae Variant Classification Sherloc (09022015). Collection method: clinical testing. Allele origin: germline.

Molecular Diagnostic Laboratory for Inherited Cardiovascular Disease, Montreal Heart Institute
Classification: Benign. Last evaluated: 2025-04-09. Review status: criteria provided, single submitter. Criteria: ACMG Guidelines, 2015. Collection method: clinical testing. Allele origin: germline. Affected: no.

Blueprint Genetics
Classification: Likely benign. Last evaluated: 2024-11-11. Review status: criteria provided, single submitter. Criteria: ACMG Guidelines, 2015. Collection method: clinical testing. Allele origin: germline.

ARUP Laboratories, Molecular Genetics and Genomics, ARUP Laboratories
Classification: Benign. Last evaluated: 2022-02-08. Review status: criteria provided, single submitter. Criteria: ARUP Molecular Germline Variant Investigation Process 2021. Collection method: clinical testing. Allele origin: germline.

Genome-Nilou Lab
Classification: Benign for Autosomal recessive limb-girdle muscular dystrophy type 2J. Last evaluated: 2021-09-10. Review status: criteria provided, single submitter. Criteria: ACMG Guidelines, 2015. Collection method: clinical testing. Allele origin: germline. Affected: no.

Genome-Nilou Lab
Classification: Benign for Myopathy, myofibrillar, 9, with early respiratory failure. Last evaluated: 2021-09-10. Review status: criteria provided, single submitter. Criteria: ACMG Guidelines, 2015. Collection method: clinical testing. Allele origin: germline. Affected: no.

Genome-Nilou Lab
Classification: Benign for Early-onset myopathy with fatal cardiomyopathy. Last evaluated: 2021-09-10. Review status: criteria provided, single submitter. Criteria: ACMG Guidelines, 2015. Collection method: clinical testing. Allele origin: germline. Affected: no.

Genome-Nilou Lab
Classification: Benign for Tibial muscular dystrophy. Last evaluated: 2021-09-10. Review status: criteria provided, single submitter. Criteria: ACMG Guidelines, 2015. Collection method: clinical testing. Allele origin: germline. Affected: no.

Athena Diagnostics
Classification: Benign. Last evaluated: 2020-03-12. Review status: criteria provided, single submitter. Criteria: Athena Diagnostics Criteria. Collection method: clinical testing. Allele origin: unknown.

GeneDx
Classification: Likely benign. Last evaluated: 2018-06-14. Review status: criteria provided, single submitter. Criteria: GeneDx Variant Classification (06012015). Collection method: clinical testing. Allele origin: germline. Affected: yes.
Comment: This variant is considered likely benign or benign based on one or more of the following criteria: it is a conservative change, it occurs at a poorly conserved position in the protein, it is predicted to be benign by multiple in silico algorithms, and/or has population frequency not consistent with disease.

Breakthrough Genomics
Classification: Likely benign. Review status: criteria provided, single submitter. Criteria: ACMG Guidelines, 2015. Collection method: not provided. Allele origin: germline. Inheritance: Autosomal recessive inheritance. Affected: yes.

Clinical Genetics DNA and cytogenetics Diagnostics Lab, Erasmus MC, Erasmus Medical Center
Classification: Benign. Review status: no assertion criteria provided. Collection method: clinical testing. Allele origin: germline. Affected: yes. Study: VKGL Data-share Consensus. Not counted in ClinVar's aggregate classification.

Clinical Genetics, Academic Medical Center
Classification: Benign. Review status: no assertion criteria provided. Collection method: clinical testing. Allele origin: germline. Affected: yes. Study: VKGL Data-share Consensus. Not counted in ClinVar's aggregate classification.

Joint Genome Diagnostic Labs from Nijmegen and Maastricht, Radboudumc and MUMC+
Classification: Benign. Review status: no assertion criteria provided. Collection method: clinical testing. Allele origin: germline. Affected: yes. Study: VKGL Data-share Consensus. Not counted in ClinVar's aggregate classification.

Laboratory of Diagnostic Genome Analysis, Leiden University Medical Center (LUMC)
Classification: Likely benign. Review status: no assertion criteria provided. Collection method: clinical testing. Allele origin: germline. Affected: yes. Study: VKGL Data-share Consensus. Not counted in ClinVar's aggregate classification.